The following is an entry in ClinVar:

NM_152383.5(DIS3L2):c.430G>T (p.Glu144Ter)

Gene: DIS3L2 (DIS3 like 3'-5' exoribonuclease 2; plus strand). Cytogenetic location: 2q37.1.
Variant type: single nucleotide variant.
Coding change: c.430G>T on transcript NM_152383.5 (MANE Select); coding-DNA position 430, G replaced by T.
Protein change: p.Glu144Ter; replaces glutamic acid 144 with a stop codon.
Molecular consequence: nonsense. On other transcripts: non-coding transcript variant (2).
Genome position (GRCh38, 1-based): chr2:232,087,550, G>T. VCF-style: chr2-232087550-G-T. GRCh37 (hg19) VCF-style: chr2-232952260-G-T.
Other names: c.430G>T, p.Glu144Ter (NM_001257281.2, NM_001257282.2); short protein forms E144*.
Identifiers: ClinVar variation 2700144 (VCV002700144.3), dbSNP rs2469749590, ClinGen allele CA351154951.

ClinVar aggregate classification (germline): Pathogenic (1 of 4 stars; one submission).

Conditions:
Perlman syndrome (PRLMNS). Identifiers: Orphanet 2849, MedGen C0796113, MONDO:0009965, OMIM 267000.

Submission:

Labcorp Genetics (formerly Invitae), Labcorp
Classification: Pathogenic for Perlman syndrome. Last evaluated: 2023-06-09. Review status: criteria provided, single submitter. Criteria: Invitae Variant Classification Sherloc (09022015). Collection method: clinical testing. Allele origin: germline.
Comment: This sequence change creates a premature translational stop signal (p.Glu144*) in the DIS3L2 gene. It is expected to result in an absent or disrupted protein product. Loss-of-function variants in DIS3L2 are known to be pathogenic (PMID: 22306653, 28328139). This variant is not present in population databases (gnomAD no frequency). This variant has not been reported in the literature in individuals affected with DIS3L2-related conditions. For these reasons, this variant has been classified as Pathogenic.

Literature cited by the submitters: PubMed 22306653; PubMed 28328139.